The following is an entry in ClinVar:

ClinVar aggregate classification (germline): Pathogenic (1 of 4 stars; one submission).

Conditions:
Microcephaly, normal intelligence and immunodeficiency (NBS). Also called: BERLIN BREAKAGE SYNDROME; Immunodeficiency, microcephaly with normal intelligence; Ataxia telangiectasia variant V1; Nijmegen breakage syndrome; Microcephaly with normal intelligence immunodeficiency and lymphoreticular malignancies; Nonsyndromal microcephaly autosomal recessive with normal intelligence. Identifiers: Orphanet 647, MedGen C0398791, MONDO:0009623, OMIM 251260.

Submission:

Labcorp Genetics (formerly Invitae), Labcorp
Classification: Pathogenic for Microcephaly, normal intelligence and immunodeficiency. Last evaluated: 2022-05-26. Review status: criteria provided, single submitter. Criteria: Invitae Variant Classification Sherloc (09022015). Collection method: clinical testing. Allele origin: germline.
Comment: For these reasons, this variant has been classified as Pathogenic. This variant has not been reported in the literature in individuals affected with NBN-related conditions. This variant is not present in population databases (gnomAD no frequency). This sequence change creates a premature translational stop signal (p.Gln494*) in the NBN gene. It is expected to result in an absent or disrupted protein product. Loss-of-function variants in NBN are known to be pathogenic (PMID: 9590180, 16415040).

Literature cited by the submitters: PubMed 9590180; PubMed 16415040.

NM_002485.5(NBN):c.1480C>T (p.Gln494Ter)

Gene: NBN (nibrin; minus strand). Cytogenetic location: 8q21.3.
Variant type: single nucleotide variant.
Coding change: c.1480C>T on transcript NM_002485.5 (MANE Select); coding-DNA position 1480, C replaced by T.
Protein change: p.Gln494Ter; replaces glutamine 494 with a stop codon.
Molecular consequence: nonsense.
Genome position (GRCh38, 1-based): chr8:89,953,609, G>A on the plus strand (C>T on the coding strand, the complement: NBN is on the minus strand). VCF-style: chr8-89953609-G-A. GRCh37 (hg19) VCF-style: chr8-90965837-G-A.
Other names: c.1234C>T, p.Gln412Ter (NM_001024688.3); short protein forms Q412*, Q494*.
Identifiers: ClinVar variation 1999117 (VCV001999117.4), dbSNP rs587781557, ClinGen allele CA371655767.